The following is an entry in ClinVar:

ClinVar aggregate classification (germline): Pathogenic (1 of 4 stars; one submission).

Conditions:
Carnitine palmitoyltransferase II deficiency. Also called: Carnitine Palmitoyltransferase 2 Deficiency. Identifiers: Orphanet 157, MedGen C0342790, MONDO:0015515.

Submission:

Labcorp Genetics (formerly Invitae), Labcorp
Classification: Pathogenic for Carnitine palmitoyltransferase II deficiency. Last evaluated: 2021-02-08. Review status: criteria provided, single submitter. Criteria: Invitae Variant Classification Sherloc (09022015). Collection method: clinical testing. Allele origin: germline.
Comment: This sequence change creates a premature translational stop signal (p.Ser267Leufs*28) in the CPT2 gene. It is expected to result in an absent or disrupted protein product. Loss-of-function variants in CPT2 are known to be pathogenic (PMID: 16781677, 16996287). This variant is not present in population databases (ExAC no frequency). This variant has not been reported in the literature in individuals with CPT2-related conditions. For these reasons, this variant has been classified as Pathogenic.

Literature cited by the submitters: PubMed 16781677; PubMed 16996287.

NM_000098.3(CPT2):c.798dup (p.Ser267fs)

Gene: CPT2 (carnitine palmitoyltransferase 2; plus strand). Cytogenetic location: 1p32.3.
Variant type: Duplication.
Coding change: c.798dup on transcript NM_000098.3 (MANE Select); coding-DNA position 798, one base duplicated (C; older notation c.798dupC).
Protein change: p.Ser267fs; shifts the reading frame from serine 267.
Molecular consequence: frameshift variant.
Genome position (GRCh38, 1-based): chr1:53,210,472, C duplicated; the last of 4 consecutive C bases (chr1:53,210,469-53,210,472); duplicating any one gives the same sequence. VCF-style (leftmost placement, unchanged base first): chr1-53210468-G-GC. GRCh37 (hg19) VCF-style: chr1-53676140-G-GC.
Other names: c.798dup, p.Ser267fs (NM_001330589.2); short protein forms S267fs.
Identifiers: ClinVar variation 1454984 (VCV001454984.1), dbSNP rs2100272735, ClinGen allele CA2573132424.